The following is an entry in ClinVar:

NM_001174147.2(LMX1B):c.*1287A>T

Gene: LMX1B (LIM homeobox transcription factor 1 beta; plus strand). Cytogenetic location: 9q33.3.
Variant type: single nucleotide variant.
Coding change: c.*1287A>T on transcript NM_001174147.2 (MANE Select); 1287 bases downstream of the stop codon, A replaced by T.
Molecular consequence: 3 prime UTR variant.
Genome position (GRCh38, 1-based): chr9:126,697,738, A>T. VCF-style: chr9-126697738-A-T. GRCh37 (hg19) VCF-style: chr9-129460017-A-T.
Other names: c.*1287A>T (NM_001174146.2, NM_002316.4).
Identifiers: ClinVar variation 912709 (VCV000912709.4), dbSNP rs572241075, ClinGen allele CA199818622.
Genomic context (GRCh38, chr9:126,697,738, plus strand): 5'-GGCACCCTTCCTCTGTTAATTTGGCCCAAAAGACAATGATTTGGCCACATGACCTTAGAG[A>T]TTCACCCTGCCCTGCTGTAGCTAAATCCCTGGGCCCCACACGCAAGTGACAGCTAAGCCA-3'

ClinVar aggregate classification (germline): Benign (1 of 4 stars; one submission).

Conditions:
Nail-patella syndrome (NPS). Also called: FONG DISEASE; ONYCHOOSTEODYSPLASIA; TURNER-KIESER SYNDROME. Identifiers: Orphanet 2614, MedGen C0027341, MONDO:0008061, OMIM 161200.

Allele frequency attached by ClinVar (database versions not stated): TOPMed 0.00002; gnomAD 0.00004 and 0.00005; 1000 Genomes Project 30x 0.00031; 1000 Genomes Project 0.00040.
gnomAD v4.1: 7 of 152,510 alleles (0.0046%); highest among the groups gnomAD compares: East Asian, 0.096%; no homozygotes.

Submission:

Illumina Laboratory Services, Illumina
Classification: Benign for Nail-patella syndrome. Last evaluated: 2018-01-13. Review status: criteria provided, single submitter. Criteria: ICSL Variant Classification Criteria 13 December 2019. Collection method: clinical testing. Allele origin: germline.
Comment: This variant was observed in the ICSL laboratory as part of a predisposition screen in an ostensibly healthy population. It had not been previously curated by ICSL or reported in the Human Gene Mutation Database (HGMD: prior to June 1st, 2018), and was therefore a candidate for classification through an automated scoring system. Utilizing variant allele frequency, disease prevalence and penetrance estimates, and inheritance mode, an automated score was calculated to assess if this variant is too frequent to cause the disease. Based on the score and internal cut-off values, a variant classified as benign is not then subjected to further curation. The score for this variant resulted in a classification of benign for this disease.